The following is an entry in ClinVar:

ClinVar aggregate classification (germline): Uncertain significance. Review status: criteria provided, multiple submitters, no conflicts (2 of 4 stars). 2 submissions from 2 submitters: Uncertain significance (2). Last evaluated 2025-09-10.

Conditions:
Hereditary cancer-predisposing syndrome. Also called: Tumor predisposition; Hereditary neoplastic syndrome; Neoplastic Syndromes, Hereditary; Hereditary Cancer Syndrome. Identifiers: Orphanet 140162, MedGen C0027672, MeSH D009386, MONDO:0015356.
Neuroblastoma, susceptibility to, 3. Also called: ALK-Related Neuroblastic Tumor Susceptibility. Identifiers: Orphanet 635, MedGen C2751681, MONDO:0013083, OMIM 613014.

Submissions (2):

Labcorp Genetics (formerly Invitae), Labcorp
Classification: Uncertain significance for Neuroblastoma, susceptibility to, 3. Last evaluated: 2025-09-10. Review status: criteria provided, single submitter. Criteria: Invitae Variant Classification Sherloc (09022015). Collection method: clinical testing. Allele origin: germline.
Comment: This sequence change replaces methionine, which is neutral and non-polar, with valine, which is neutral and non-polar, at codon 973 of the ALK protein (p.Met973Val). This variant is not present in population databases (gnomAD no frequency). This variant has not been reported in the literature in individuals affected with ALK-related conditions. ClinVar contains an entry for this variant (Variation ID: 934465). An algorithm developed to predict the effect of missense changes on protein structure and function (PolyPhen-2) suggests that this variant is likely to be tolerated. In summary, the available evidence is currently insufficient to determine the role of this variant in disease. Therefore, it has been classified as a Variant of Uncertain Significance.

Ambry Genetics
Classification: Uncertain significance for Hereditary cancer-predisposing syndrome. Last evaluated: 2024-11-18. Review status: criteria provided, single submitter. Criteria: Ambry Variant Classification Scheme 2023. Collection method: clinical testing. Allele origin: germline.
Comment: The p.M973V variant (also known as c.2917A>G), located in coding exon 18 of the ALK gene, results from an A to G substitution at nucleotide position 2917. The methionine at codon 973 is replaced by valine, an amino acid with highly similar properties. This amino acid position is conserved. In addition, the in silico prediction for this alteration is inconclusive. Since supporting evidence is limited at this time, the clinical significance of this alteration remains unclear.

NM_004304.5(ALK):c.2917A>G (p.Met973Val)

Gene: ALK (ALK receptor tyrosine kinase; minus strand). Cytogenetic location: 2p23.2.
Variant type: single nucleotide variant.
Coding change: c.2917A>G on transcript NM_004304.5 (MANE Select); coding-DNA position 2917, A replaced by G.
Protein change: p.Met973Val; replaces methionine 973 with valine.
Molecular consequence: missense variant.
Genome position (GRCh38, 1-based): chr2:29,227,072, T>C on the plus strand (A>G on the coding strand, the complement: ALK is on the minus strand). VCF-style: chr2-29227072-T-C. GRCh37 (hg19) VCF-style: chr2-29449938-T-C.
Other names: short protein forms M973V.
Identifiers: ClinVar variation 934465 (VCV000934465.13), dbSNP rs1664022726, ClinGen allele CA346468148.